The following is an entry in ClinVar:

NM_006265.3(RAD21):c.943_946del (p.Glu315fs)

Gene: RAD21 (RAD21 cohesin complex component; minus strand). Cytogenetic location: 8q24.11.
Variant type: Deletion.
Coding change: c.943_946del on transcript NM_006265.3 (MANE Select); coding-DNA positions 943 to 946, 4 bases deleted (GAAA; older notation c.943_946delGAAA).
Protein change: p.Glu315fs; shifts the reading frame from glutamic acid 315.
Molecular consequence: frameshift variant.
Genome position (GRCh38, 1-based): chr8:116,854,460-116,854,463, TTTC deleted on the plus strand (GAAA on the coding strand, the reverse complement: RAD21 is on the minus strand); deleting any 4 consecutive bases within chr8:116,854,460-116,854,466 gives the same sequence; the c. name uses the placement nearest the transcript's 3' end. VCF-style (leftmost placement, unchanged base first): chr8-116854459-GTTTC-G. GRCh37 (hg19) VCF-style: chr8-117866698-GTTTC-G.
Other names: short protein forms E315fs.
Identifiers: ClinVar variation 1185049 (VCV001185049.7), dbSNP rs2130463115, ClinGen allele CA915940489.

ClinVar aggregate classification (germline): Pathogenic. Review status: criteria provided, single submitter (1 of 4 stars). 2 submissions from 2 submitters: Pathogenic (1). 1 of the submissions does not count toward it. Last evaluated 2021-09-15.

Conditions:
Cornelia de Lange syndrome 4 (CDLS4). Also called: RAD21-Related Cornelia de Lange Syndrome; CORNELIA DE LANGE SYNDROME 4 WITH OR WITHOUT MIDLINE BRAIN DEFECTS. Identifiers: Orphanet 199, MedGen C3553517, MONDO:0013864, OMIM 614701.

Submissions (2):

Labcorp Genetics (formerly Invitae), Labcorp
Classification: Pathogenic for Cornelia de Lange syndrome 4. Last evaluated: 2021-09-15. Review status: criteria provided, single submitter. Criteria: Invitae Variant Classification Sherloc (09022015). Collection method: clinical testing. Allele origin: germline.
Comment: This premature translational stop signal has been observed in individual(s) with Cornelia de Lange syndrome (PMID: 30716475, 32193685). This variant is not present in population databases (ExAC no frequency). This sequence change creates a premature translational stop signal (p.Glu315Glnfs*9) in the RAD21 gene. It is expected to result in an absent or disrupted protein product. Loss-of-function variants in RAD21 are known to be pathogenic (PMID: 22633399, 24378232, 27620904, 27882533). For these reasons, this variant has been classified as Pathogenic. ClinVar contains an entry for this variant (Variation ID: 1185049).

OMIM
Classification: Pathogenic for CORNELIA DE LANGE SYNDROME 4. Last evaluated: 2021-07-29. Review status: no assertion criteria provided. Collection method: literature only. Allele origin: germline. Not counted in ClinVar's aggregate classification.

Literature cited by the submitters: PubMed 30716475 (cited by Labcorp Genetics (formerly Invitae), Labcorp and OMIM); PubMed 32193685 (cited by Labcorp Genetics (formerly Invitae), Labcorp); PubMed 22633399 (cited by Labcorp Genetics (formerly Invitae), Labcorp); PubMed 24378232 (cited by Labcorp Genetics (formerly Invitae), Labcorp); PubMed 27620904 (cited by Labcorp Genetics (formerly Invitae), Labcorp); PubMed 27882533 (cited by Labcorp Genetics (formerly Invitae), Labcorp).